The following is an entry in ClinVar:

NM_001376.5(DYNC1H1):c.3419C>T (p.Thr1140Met)

Gene: DYNC1H1 (dynein cytoplasmic 1 heavy chain 1; plus strand). Cytogenetic location: 14q32.31.
Variant type: single nucleotide variant.
Coding change: c.3419C>T on transcript NM_001376.5 (MANE Select); coding-DNA position 3419, C replaced by T.
Protein change: p.Thr1140Met; replaces threonine 1140 with methionine.
Molecular consequence: missense variant.
Genome position (GRCh38, 1-based): chr14:101,995,071, C>T. VCF-style: chr14-101995071-C-T. GRCh37 (hg19) VCF-style: chr14-102461408-C-T.
Other names: short protein forms T1140M.
Identifiers: ClinVar variation 128934 (VCV000128934.21), dbSNP rs587780331, ClinGen allele CA152638.

ClinVar aggregate classification (germline): Likely benign. Review status: criteria provided, multiple submitters, no conflicts (2 of 4 stars). 5 submissions from 5 submitters: Likely benign (4). 1 of the submissions does not count toward it. Last evaluated 2025-07-01.

Conditions:
DYNC1H1-related disorder. Also called: DYNC1H1-related condition; DYNC1H1-related disorders. Identifiers: MedGen CN381529.
Inborn genetic diseases. Identifiers: MedGen C0950123, MeSH D030342.
Charcot-Marie-Tooth disease axonal type 2O. Also called: CHARCOT-MARIE-TOOTH NEUROPATHY, AXONAL, TYPE 2O; CHARCOT-MARIE-TOOTH DISEASE, AXONAL, AUTOSOMAL DOMINANT, TYPE 2O; Charcot-Marie-Tooth Neuropathy Type 2O; Charcot-Marie-Tooth disease, axonal, type 20. Identifiers: Orphanet 284232, MedGen C3280220, MONDO:0013644, OMIM 614228.

Allele frequency attached by ClinVar (database versions not stated): TOPMed 0.00002; gnomAD 0.00003 and 0.00004; gnomAD exomes 0.00004; ExAC 0.00005.
gnomAD v4.1: 67 of 1,614,064 alleles (0.0042%); highest among the groups gnomAD compares: East Asian, 0.047%; no homozygotes.

Submissions (5):

Women's Health and Genetics/Laboratory Corporation of America, LabCorp
Classification: Likely benign. Last evaluated: 2025-07-01. Review status: criteria provided, single submitter. Criteria: LabCorp Variant Classification Summary - May 2015. Collection method: clinical testing. Allele origin: germline.
Comment: Variant summary: DYNC1H1 c.3419C>T (p.Thr1140Met) results in a non-conservative amino acid change in the encoded protein sequence. Algorithms developed to predict the effect of missense changes on protein structure and function are either unavailable or do not agree on the potential impact of this missense change. The variant allele was found at a frequency of 4e-05 in 251488 control chromosomes. The observed variant frequency is approximately 39.76 fold of the estimated maximal expected allele frequency for a pathogenic variant in DYNC1H1 causing Charcot-Marie-Tooth disease axonal type 2O phenotype (1e-06). To our knowledge, no occurrence of c.3419C>T in individuals affected with Charcot-Marie-Tooth disease axonal type 2O and no experimental evidence demonstrating its impact on protein function have been reported. ClinVar contains an entry for this variant (Variation ID: 128934). Based on the evidence outlined above, the variant was classified as likely benign.

Labcorp Genetics (formerly Invitae), Labcorp
Classification: Likely benign for Charcot-Marie-Tooth disease axonal type 2O. Last evaluated: 2025-01-30. Review status: criteria provided, single submitter. Criteria: Invitae Variant Classification Sherloc (09022015). Collection method: clinical testing. Allele origin: germline.

Ambry Genetics
Classification: Likely benign for Inborn genetic diseases. Last evaluated: 2020-09-28. Review status: criteria provided, single submitter. Criteria: Ambry Variant Classification Scheme 2023. Collection method: clinical testing. Allele origin: germline.

Genetic Services Laboratory, University of Chicago
Classification: Likely benign. Last evaluated: 2014-05-20. Review status: criteria provided, single submitter. Criteria: ACMG Guidelines, 2015. Collection method: clinical testing. Allele origin: germline.

PreventionGenetics, part of Exact Sciences
Classification: Likely benign for DYNC1H1-related condition. Last evaluated: 2019-12-10. Review status: no assertion criteria provided. Collection method: clinical testing. Allele origin: germline. Not counted in ClinVar's aggregate classification.
Comment: This variant is classified as likely benign based on ACMG/AMP sequence variant interpretation guidelines (Richards et al. 2015 PMID: 25741868, with internal and published modifications).